The following is an entry in ClinVar:

ClinVar aggregate classification (germline): Conflicting classifications of pathogenicity. Review status: criteria provided, conflicting classifications (1 of 4 stars). 2 submissions from 2 submitters: Uncertain significance (1); Likely benign (1). Last evaluated 2024-07-10.

Conditions:
Hereditary diffuse gastric adenocarcinoma (HDGC). Also called: DIFFUSE GASTRIC AND LOBULAR BREAST CANCER SYNDROME. Identifiers: Orphanet 26106, MedGen C1708349, MONDO:0007648, OMIM 137215.
Hereditary cancer-predisposing syndrome. Also called: Hereditary neoplastic syndrome; Neoplastic Syndromes, Hereditary; Hereditary Cancer Syndrome; Tumor predisposition. Identifiers: Orphanet 140162, MedGen C0027672, MeSH D009386, MONDO:0015356.

Allele frequency attached by ClinVar (database versions not stated): gnomAD exomes below 0.00001.
gnomAD v4.1: 2 of 1,614,106 alleles (0.00012%); highest among the groups gnomAD compares: Non-Finnish European, 0.00017%; no homozygotes.

Submissions (2):

Ambry Genetics
Classification: Likely benign for Hereditary cancer-predisposing syndrome. Last evaluated: 2024-07-10. Review status: criteria provided, single submitter. Criteria: Ambry Variant Classification Scheme 2023. Collection method: clinical testing. Allele origin: germline.

Labcorp Genetics (formerly Invitae), Labcorp
Classification: Uncertain significance for Hereditary diffuse gastric adenocarcinoma. Last evaluated: 2022-07-06. Review status: criteria provided, single submitter. Criteria: Invitae Variant Classification Sherloc (09022015). Collection method: clinical testing. Allele origin: germline.
Comment: In summary, the available evidence is currently insufficient to determine the role of this variant in disease. Therefore, it has been classified as a Variant of Uncertain Significance. Algorithms developed to predict the effect of missense changes on protein structure and function output the following: SIFT: "Tolerated"; PolyPhen-2: "Benign"; Align-GVGD: "Class C0". The aspartic acid amino acid residue is found in multiple mammalian species, which suggests that this missense change does not adversely affect protein function. ClinVar contains an entry for this variant (Variation ID: 574020). This variant has not been reported in the literature in individuals affected with CDH1-related conditions. This variant is not present in population databases (gnomAD no frequency). This sequence change replaces glutamic acid, which is acidic and polar, with aspartic acid, which is acidic and polar, at codon 745 of the CDH1 protein (p.Glu745Asp).

NM_004360.5(CDH1):c.2235G>T (p.Glu745Asp)

Gene: CDH1 (cadherin 1; plus strand). Cytogenetic location: 16q22.1.
Variant type: single nucleotide variant.
Coding change: c.2235G>T on transcript NM_004360.5 (MANE Select); coding-DNA position 2235, G replaced by T.
Protein change: p.Glu745Asp; replaces glutamic acid 745 with aspartic acid.
Molecular consequence: missense variant.
Genome position (GRCh38, 1-based): chr16:68,828,244, G>T. VCF-style: chr16-68828244-G-T. GRCh37 (hg19) VCF-style: chr16-68862147-G-T.
Other names: c.2235G>T (LRG_301t1); c.2052G>T, p.Glu684Asp (NM_001317184.2); c.687G>T, p.Glu229Asp (NM_001317185.2); c.270G>T, p.Glu90Asp (NM_001317186.2); short protein forms E745D, E229D, E90D, E684D.
Identifiers: ClinVar variation 574020 (VCV000574020.15), dbSNP rs1267384637, ClinGen allele CA396469749.
Genomic context (GRCh38, chr16:68,828,244, plus strand): 5'-GCTGCTCTTGCTGTTTCTTCGGAGGAGAGCGGTGGTCAAAGAGCCCTTACTGCCCCCAGA[G>T]GATGACACCCGGGACAACGTTTATTACTATGATGAAGAAGGAGGCGGAGAAGAGGACCAG-3'
Protein context (NP_004351.1, residues 735-755): AVVKEPLLPP[Glu745Asp]DDTRDNVYYY